The following is an entry in ClinVar:

ClinVar aggregate classification (germline): Conflicting classifications of pathogenicity. Review status: criteria provided, conflicting classifications (1 of 4 stars). 4 submissions from 4 submitters: Pathogenic (1); Likely pathogenic (1); Uncertain significance (1). 1 of the submissions does not count toward it. Last evaluated 2020-09-10.

Conditions:
Intellectual disability. Also called: Intellectual developmental disorder; Intellectual functioning disability; intellectual disabilities. Identifiers: MedGen C3714756, MeSH D008607, MONDO:0001071, HP:0001249.
Inborn genetic diseases. Identifiers: MedGen C0950123, MeSH D030342.
Intellectual developmental disorder, autosomal dominant 44, with microcephaly. Also called: Micrognathia-recurrent infections-behavioral abnormalities-mild intellectual disability syndrome; TRIO-Related Intellectual Disability. Identifiers: Orphanet 476126, MedGen C4310740, MONDO:0014892, OMIM 617061.

Submissions (4):

Diagnostic Laboratory, Strasbourg University Hospital
Classification: Uncertain significance for Intellectual disability. Last evaluated: 2020-09-10. Review status: criteria provided, single submitter. Criteria: ACMG Guidelines, 2015. Collection method: clinical testing. Allele origin: de novo. Affected: yes. Observed: 1 heterozygote.

SIB Swiss Institute of Bioinformatics
Classification: Likely pathogenic for Intellectual developmental disorder, autosomal dominant 44, with microcephaly. Last evaluated: 2020-09-10. Review status: criteria provided, single submitter. Criteria: ACMG Guidelines, 2015. Collection method: curation. Allele origin: unknown.
Comment: This variant is interpreted as likely pathogenic for Intellectual developmental disorder, autosomal dominant 44, with microcephaly. The following ACMG Tag(s) were applied: Absent from controls (or at extremely low frequency if recessive) in Exome Sequencing Project, 1000 Genomes Project, or Exome Aggregation Consortium (PM2); Predicted nullvariant in a gene where LOF is a known mechanism of disease (PVS1 downgraded to strong).

Ambry Genetics
Classification: Pathogenic for Inborn genetic diseases. Last evaluated: 2017-04-20. Review status: criteria provided, single submitter. Criteria: Ambry exome assertion method (8-5-2015). Collection method: clinical testing. Allele origin: germline. Affected: yes. Observed: 1 variant allele.

OMIM
Classification: Pathogenic for INTELLECTUAL DEVELOPMENTAL DISORDER, AUTOSOMAL DOMINANT 44, WITH MICROCEPHALY. Last evaluated: 2020-03-31. Review status: no assertion criteria provided. Collection method: literature only. Allele origin: germline. Not counted in ClinVar's aggregate classification.

Literature cited by the submitters: PubMed 32109419 (cited by SIB Swiss Institute of Bioinformatics and OMIM); PubMed 27418539 (cited by Ambry Genetics); PubMed 26721934 (cited by Ambry Genetics); PubMed 24038936 (cited by Ambry Genetics); PubMed 23033978 (cited by Ambry Genetics).

NM_007118.4(TRIO):c.2302C>T (p.Gln768Ter)

Gene: TRIO (trio Rho guanine nucleotide exchange factor; plus strand). Cytogenetic location: 5p15.2.
Variant type: single nucleotide variant.
Coding change: c.2302C>T on transcript NM_007118.4 (MANE Select); coding-DNA position 2302, C replaced by T.
Protein change: p.Gln768Ter; replaces glutamine 768 with a stop codon.
Molecular consequence: nonsense. On other transcripts: non-coding transcript variant (1).
Genome position (GRCh38, 1-based): chr5:14,359,442, C>T. VCF-style: chr5-14359442-C-T. GRCh37 (hg19) VCF-style: chr5-14359551-C-T.
Other names: short protein forms Q768*.
Identifiers: ClinVar variation 521730 (VCV000521730.7), dbSNP rs1554062562, ClinGen allele CA359206271.